The following is an entry in ClinVar:

NM_005591.4(MRE11):c.741T>G (p.His247Gln)

Gene: MRE11 (MRE11 double strand break repair nuclease; minus strand). Cytogenetic location: 11q21.
Variant type: single nucleotide variant.
Coding change: c.741T>G on transcript NM_005591.4 (MANE Select); coding-DNA position 741, T replaced by G.
Protein change: p.His247Gln; replaces histidine 247 with glutamine.
Molecular consequence: missense variant.
Genome position (GRCh38, 1-based): chr11:94,471,678, A>C on the plus strand (T>G on the coding strand, the complement: MRE11 is on the minus strand). VCF-style: chr11-94471678-A-C. GRCh37 (hg19) VCF-style: chr11-94204844-A-C.
Other names: c.741T>G, p.His247Gln (NM_001330347.2, NM_005590.4); short protein forms H247Q.
Identifiers: ClinVar variation 1800100 (VCV001800100.2), dbSNP rs2496496470, ClinGen allele CA382375778.

ClinVar aggregate classification (germline): Uncertain significance (1 of 4 stars; one submission).

Conditions:
Hereditary cancer-predisposing syndrome. Also called: Neoplastic Syndromes, Hereditary; Tumor predisposition; Hereditary Cancer Syndrome; Hereditary neoplastic syndrome. Identifiers: Orphanet 140162, MedGen C0027672, MeSH D009386, MONDO:0015356.

Submission:

Ambry Genetics
Classification: Uncertain significance for Hereditary cancer-predisposing syndrome. Last evaluated: 2022-06-09. Review status: criteria provided, single submitter. Criteria: Ambry Variant Classification Scheme 2023. Collection method: clinical testing. Allele origin: germline.
Comment: The p.H247Q variant (also known as c.741T>G), located in coding exon 7 of the MRE11A gene, results from a T to G substitution at nucleotide position 741. The histidine at codon 247 is replaced by glutamine, an amino acid with highly similar properties. This amino acid position is conserved. In addition, this alteration is predicted to be deleterious by in silico analysis. Since supporting evidence is limited at this time, the clinical significance of this alteration remains unclear.